The following is an entry in ClinVar:

NM_002250.3(KCNN4):c.1049+2T>A

Gene: KCNN4 (potassium calcium-activated channel subfamily N member 4; minus strand). Cytogenetic location: 19q13.31.
Variant type: single nucleotide variant.
Coding change: c.1049+2T>A on transcript NM_002250.3 (MANE Select); the canonical splice donor site of the intron after coding-DNA position 1049, T replaced by A.
Molecular consequence: splice donor variant.
Genome position (GRCh38, 1-based): chr19:43,769,440, A>T on the plus strand (T>A on the coding strand, the complement: KCNN4 is on the minus strand). VCF-style: chr19-43769440-A-T. GRCh37 (hg19) VCF-style: chr19-44273592-A-T.
Identifiers: ClinVar variation 4852580 (VCV004852580.1).

ClinVar aggregate classification (germline): Uncertain significance (1 of 4 stars; one submission).

Conditions:
Kartagener syndrome (CILD1). Also called: SIEWERT SYNDROME; CILIARY DYSKINESIA, PRIMARY, 1; CILIARY DYSKINESIA, PRIMARY, 1, WITH OR WITHOUT SITUS INVERSUS; IMMOTILE CILIA SYNDROME; POLYNESIAN BRONCHIECTASIS; Dextrocardia bronchiectasis and sinusitis. Identifiers: Orphanet 244, MedGen C4551906, MONDO:0009484, OMIM 244400.

Submission:

Department of Human Genetics, Hannover Medical School
Classification: Uncertain significance for Kartagener syndrome. Last evaluated: 2026-06-05. Review status: criteria provided, single submitter. Criteria: ACMG Guidelines, 2015. Collection method: clinical testing. Allele origin: germline. Affected: yes.
Comment: PM2 supporting, PM3 supporting